The following is an entry in ClinVar:

NM_004211.5(SLC6A5):c.9C>A (p.Cys3Ter)

Gene: SLC6A5 (solute carrier family 6 member 5; plus strand). Cytogenetic location: 11p15.1.
Variant type: single nucleotide variant.
Coding change: c.9C>A on transcript NM_004211.5 (MANE Select); coding-DNA position 9, C replaced by A.
Protein change: p.Cys3Ter; replaces cysteine 3 with a stop codon.
Molecular consequence: nonsense. On other transcripts: 5 prime UTR variant (1).
Genome position (GRCh38, 1-based): chr11:20,601,134, C>A. VCF-style: chr11-20601134-C-A. GRCh37 (hg19) VCF-style: chr11-20622680-C-A.
Other names: c.-555C>A (NM_001318369.2); short protein forms C3*.
Identifiers: ClinVar variation 449100 (VCV000449100.12), dbSNP rs752254977, ClinGen allele CA5920975.
Genomic context (GRCh38, chr11:20,601,134, plus strand): 5'-TATTTTAAAAGCTGTTGTGACTTTGTTTTGCACGAACTTGACATTGTGTTTGCAGGATTG[C>A]AGTGCTCCCAAGGAAATGAATAAACTGCCAGCCAACAGCCCGGAGGCGGCGGCGGCGCAG-3'

ClinVar aggregate classification (germline): Pathogenic/Likely pathogenic. Review status: criteria provided, multiple submitters, no conflicts (2 of 4 stars). 4 submissions from 4 submitters: Pathogenic (1); Likely pathogenic (3). Last evaluated 2025-11-27.

Conditions:
Hyperekplexia 3 (HKPX3). Also called: HYPEREKPLEXIA 3, AUTOSOMAL RECESSIVE; HYPEREKPLEXIA 3, AUTOSOMAL DOMINANT. Identifiers: Orphanet 3197, MedGen C3553288, MONDO:0013827, OMIM 614618.

Allele frequency attached by ClinVar (database versions not stated): gnomAD 0.00002; TOPMed 0.00005.
gnomAD v4.1: 39 of 1,589,912 alleles (0.0025%); highest among the groups gnomAD compares: Non-Finnish European, 0.003%; no homozygotes.

Submissions (4):

Labcorp Genetics (formerly Invitae), Labcorp
Classification: Pathogenic for Hyperekplexia 3. Last evaluated: 2025-11-27. Review status: criteria provided, single submitter. Criteria: Invitae Variant Classification Sherloc (09022015). Collection method: clinical testing. Allele origin: germline.
Comment: This sequence change creates a premature translational stop signal (p.Cys3*) in the SLC6A5 gene. It is expected to result in an absent or disrupted protein product. Loss-of-function variants in SLC6A5 are known to be pathogenic (PMID: 14622583, 16751771, 22700964). The frequency data for this variant in the population databases is considered unreliable, as metrics indicate poor data quality at this position in the gnomAD database. This variant has not been reported in the literature in individuals affected with SLC6A5-related conditions. ClinVar contains an entry for this variant (Variation ID: 449100). For these reasons, this variant has been classified as Pathogenic.

GeneDx
Classification: Likely pathogenic. Last evaluated: 2022-10-17. Review status: criteria provided, single submitter. Criteria: GeneDx Variant Classification Process June 2021. Collection method: clinical testing. Allele origin: germline. Affected: yes.
Comment: Nonsense variant predicted to result in protein truncation or nonsense mediated decay in a gene for which loss of function is a known mechanism of disease; Not observed at significant frequency in large population cohorts (gnomAD); Has not been previously published as pathogenic or benign to our knowledge

HudsonAlpha Institute for Biotechnology
Classification: Likely pathogenic for Hyperekplexia 3. Last evaluated: 2022-09-26. Review status: criteria provided, single submitter. Criteria: ACMG Guidelines, 2015. Collection method: research. Allele origin: unknown. Observed: 1 variant allele. Study: HudsonAlpha-COAGS.
Comment: PVS1, PM2

Fulgent Genetics
Classification: Likely pathogenic for Hyperekplexia 3. Last evaluated: 2021-09-08. Review status: criteria provided, single submitter. Criteria: ACMG Guidelines, 2015. Collection method: clinical testing. Allele origin: unknown.

Literature cited by the submitters: PubMed 14622583 (cited by Labcorp Genetics (formerly Invitae), Labcorp); PubMed 16751771 (cited by Labcorp Genetics (formerly Invitae), Labcorp); PubMed 22700964 (cited by Labcorp Genetics (formerly Invitae), Labcorp).